The following is an entry in ClinVar:

NM_001286.5(CLCN6):c.2326G>A (p.Glu776Lys)

Gene: CLCN6 (chloride voltage-gated channel 6; plus strand). Cytogenetic location: 1p36.22.
Variant type: single nucleotide variant.
Coding change: c.2326G>A on transcript NM_001286.5 (MANE Select); coding-DNA position 2326, G replaced by A.
Protein change: p.Glu776Lys; replaces glutamic acid 776 with lysine.
Molecular consequence: missense variant. On other transcripts: non-coding transcript variant (1).
Genome position (GRCh38, 1-based): chr1:11,838,365, G>A. VCF-style: chr1-11838365-G-A. GRCh37 (hg19) VCF-style: chr1-11898422-G-A.
Other names: c.2260G>A, p.Glu754Lys (NM_001256959.2); short protein forms E754K, E776K.
Identifiers: ClinVar variation 2995623 (VCV002995623.3), dbSNP rs763864540, ClinGen allele CA596805.

ClinVar aggregate classification (germline): Uncertain significance (1 of 4 stars; one submission).

Allele frequency attached by ClinVar (database versions not stated): gnomAD 0.00001; gnomAD exomes 0.00001; TOPMed 0.00001; ExAC 0.00002.
gnomAD v4.1: 9 of 1,613,836 alleles (0.00056%); highest among the groups gnomAD compares: South Asian, 0.0011%; no homozygotes.

Submission:

Labcorp Genetics (formerly Invitae), Labcorp
Classification: Uncertain significance. Last evaluated: 2024-01-25. Review status: criteria provided, single submitter. Criteria: Invitae Variant Classification Sherloc (09022015). Collection method: clinical testing. Allele origin: germline.
Comment: This sequence change replaces glutamic acid, which is acidic and polar, with lysine, which is basic and polar, at codon 776 of the CLCN6 protein (p.Glu776Lys). This variant is present in population databases (rs763864540, gnomAD 0.003%). This variant has not been reported in the literature in individuals affected with CLCN6-related conditions. An algorithm developed to predict the effect of missense changes on protein structure and function (PolyPhen-2) suggests that this variant is likely to be tolerated. In summary, the available evidence is currently insufficient to determine the role of this variant in disease. Therefore, it has been classified as a Variant of Uncertain Significance.